The following is an entry in ClinVar:

NM_018294.6(CWF19L1):c.940C>T (p.His314Tyr)

Gene: CWF19L1 (CWF19 like cell cycle control factor 1; minus strand). Cytogenetic location: 10q24.31.
Variant type: single nucleotide variant.
Coding change: c.940C>T on transcript NM_018294.6 (MANE Select); coding-DNA position 940, C replaced by T.
Protein change: p.His314Tyr; replaces histidine 314 with tyrosine.
Molecular consequence: missense variant.
Genome position (GRCh38, 1-based): chr10:100,245,823, G>A on the plus strand (C>T on the coding strand, the complement: CWF19L1 is on the minus strand). VCF-style: chr10-100245823-G-A. GRCh37 (hg19) VCF-style: chr10-102005580-G-A.
Other names: c.940C>T, p.His314Tyr (NM_001303404.2); c.529C>T, p.His177Tyr (NM_001303405.2, NM_001303406.2); c.205C>T, p.His69Tyr (NM_001303407.2); short protein forms H314Y, H69Y, H177Y.
Identifiers: ClinVar variation 730375 (VCV000730375.9), dbSNP rs151250620, ClinGen allele CA5647026.

ClinVar aggregate classification (germline): Benign/Likely benign. Review status: criteria provided, multiple submitters, no conflicts (2 of 4 stars). 3 submissions from 3 submitters: Benign (2); Likely benign (1). Last evaluated 2026-03-01.

Conditions:
Autosomal recessive spinocerebellar ataxia 17. Identifiers: Orphanet 453521, MedGen C4015301, MONDO:0014503, OMIM 616127.

Allele frequency attached by ClinVar (database versions not stated): ESP Exome Variant Server 0.00015; gnomAD 0.00024 and 0.00037; gnomAD exomes 0.00040 and 0.00096; TOPMed 0.00051; ExAC 0.00100; 1000 Genomes Project 30x 0.00219; 1000 Genomes Project 0.00240.

Submissions (3):

CeGaT Center for Human Genetics Tuebingen
Classification: Likely benign. Last evaluated: 2026-03-01. Review status: criteria provided, single submitter. Criteria: CeGaT Center For Human Genetics Tuebingen Variant Classification Criteria Version 2. Collection method: clinical testing. Allele origin: germline. Affected: yes. Observed: 1 variant allele.
Comment: CWF19L1: BP4, BS1

Fulgent Genetics
Classification: Benign for Autosomal recessive spinocerebellar ataxia 17. Last evaluated: 2022-01-06. Review status: criteria provided, single submitter. Criteria: ACMG Guidelines, 2015. Collection method: clinical testing. Allele origin: unknown.

Labcorp Genetics (formerly Invitae), Labcorp
Classification: Benign. Last evaluated: 2019-12-31. Review status: criteria provided, single submitter. Criteria: Invitae Variant Classification Sherloc (09022015). Collection method: clinical testing. Allele origin: germline.